The following is an entry in ClinVar:

ClinVar aggregate classification (germline): Pathogenic/Likely pathogenic. Review status: criteria provided, multiple submitters, no conflicts (2 of 4 stars). 2 submissions from 2 submitters: Pathogenic (1); Likely pathogenic (1). Last evaluated 2024-02-26.

Conditions:
MEGF8-related Carpenter syndrome. Also called: Carpenter syndrome 2. Identifiers: Orphanet 65759, MedGen C3554247, MONDO:0013998, OMIM 614976.

Allele frequency attached by ClinVar (database versions not stated): gnomAD 0.00001; gnomAD exomes 0.00001; TOPMed 0.00001.

Submissions (2):

Revvity Omics, Revvity
Classification: Likely pathogenic for MEGF8-related Carpenter syndrome. Last evaluated: 2024-02-26. Review status: criteria provided, single submitter. Criteria: ACMG Guidelines, 2015. Collection method: clinical testing. Allele origin: germline.

Labcorp Genetics (formerly Invitae), Labcorp
Classification: Pathogenic for MEGF8-related Carpenter syndrome. Last evaluated: 2021-11-16. Review status: criteria provided, single submitter. Criteria: Invitae Variant Classification Sherloc (09022015). Collection method: clinical testing. Allele origin: germline.
Comment: For these reasons, this variant has been classified as Pathogenic. This sequence change creates a premature translational stop signal (p.Arg419*) in the MEGF8 gene. It is expected to result in an absent or disrupted protein product. Loss-of-function variants in MEGF8 are known to be pathogenic (PMID: 23063620). This variant is not present in population databases (gnomAD no frequency). This variant has not been reported in the literature in individuals affected with MEGF8-related conditions. Algorithms developed to predict the effect of sequence changes on RNA splicing suggest that this variant may create or strengthen a splice site.

Literature cited by the submitters: PubMed 23063620 (cited by Labcorp Genetics (formerly Invitae), Labcorp).

NM_001271938.2(MEGF8):c.1255C>T (p.Arg419Ter)

Gene: MEGF8 (multiple EGF like domains 8; plus strand). Cytogenetic location: 19q13.2.
Variant type: single nucleotide variant.
Coding change: c.1255C>T on transcript NM_001271938.2 (MANE Select); coding-DNA position 1255, C replaced by T.
Protein change: p.Arg419Ter; replaces arginine 419 with a stop codon.
Molecular consequence: nonsense.
Genome position (GRCh38, 1-based): chr19:42,336,817, C>T. VCF-style: chr19-42336817-C-T. GRCh37 (hg19) VCF-style: chr19-42840969-C-T.
Other names: c.1255C>T, p.Arg419Ter (NM_001410.3); short protein forms R419*.
Identifiers: ClinVar variation 1450222 (VCV001450222.9), dbSNP rs1222471099, ClinGen allele CA406087153.